The following is an entry in ClinVar:

NM_000350.3(ABCA4):c.5312+8G>A

Gene: ABCA4 (ATP binding cassette subfamily A member 4; minus strand). Cytogenetic location: 1p22.1.
Variant type: single nucleotide variant.
Coding change: c.5312+8G>A on transcript NM_000350.3 (MANE Select); 8 bases into the intron after coding-DNA position 5312, G replaced by A.
Molecular consequence: intron variant.
Genome position (GRCh38, 1-based): chr1:94,015,731, C>T on the plus strand (G>A on the coding strand, the complement: ABCA4 is on the minus strand). VCF-style: chr1-94015731-C-T. GRCh37 (hg19) VCF-style: chr1-94481287-C-T.
Identifiers: ClinVar variation 166621 (VCV000166621.22), dbSNP rs187953772, ClinGen allele CA233410.

ClinVar aggregate classification (germline): Conflicting classifications of pathogenicity. Review status: criteria provided, conflicting classifications (1 of 4 stars). 5 submissions from 5 submitters: Uncertain significance (1); Benign (1); Likely benign (2). 1 of the submissions does not count toward it. Last evaluated 2026-01-06.

Conditions:
ABCA4-related disorder. Also called: ABCA4-related condition; ABCA4-related disorders. Identifiers: MedGen CN239167.

Allele frequency attached by ClinVar (database versions not stated): gnomAD 0.00016 and 0.00015; gnomAD exomes 0.00017 and 0.00015; ExAC 0.00020; TOPMed 0.00022; ESP Exome Variant Server 0.00023; 1000 Genomes Project 30x 0.00062; 1000 Genomes Project 0.00080.

Submissions (5):

Labcorp Genetics (formerly Invitae), Labcorp
Classification: Likely benign. Last evaluated: 2026-01-06. Review status: criteria provided, single submitter. Criteria: Invitae Variant Classification Sherloc (09022015). Collection method: clinical testing. Allele origin: germline.

Blueprint Genetics
Classification: Likely benign. Last evaluated: 2024-10-21. Review status: criteria provided, single submitter. Criteria: ACMG Guidelines, 2015. Collection method: clinical testing. Allele origin: germline.

GeneDx
Classification: Benign. Last evaluated: 2015-03-03. Review status: criteria provided, single submitter. Criteria: GeneDx Variant Classification Process June 2021. Collection method: clinical testing. Allele origin: germline. Affected: yes.

Eurofins Ntd Llc (ga)
Classification: Uncertain significance. Last evaluated: 2014-01-30. Review status: criteria provided, single submitter. Criteria: EGL Classification Definitions 2015. Collection method: clinical testing. Allele origin: germline. Observed: 1 variant allele, 1 heterozygote.

PreventionGenetics, part of Exact Sciences
Classification: Likely benign for ABCA4-related condition. Last evaluated: 2019-02-22. Review status: no assertion criteria provided. Collection method: clinical testing. Allele origin: germline. Not counted in ClinVar's aggregate classification.
Comment: This variant is classified as likely benign based on ACMG/AMP sequence variant interpretation guidelines (Richards et al. 2015 PMID: 25741868, with internal and published modifications).